The following is an entry in ClinVar:

NM_207122.2(EXT2):c.264_275delinsAC (p.His88fs)

Gene: EXT2 (exostosin glycosyltransferase 2; plus strand). Cytogenetic location: 11p11.2.
Variant type: Indel.
Coding change: c.264_275delinsAC on transcript NM_207122.2 (MANE Select); coding-DNA positions 264 to 275, CACGTGTTTTGA replaced by AC.
Protein change: p.His88fs; shifts the reading frame from histidine 88.
Molecular consequence: frameshift variant.
Genome position (GRCh38, 1-based): chr11:44,107,976-44,107,987, CACGTGTTTTGA replaced by AC. VCF-style: chr11-44107976-CACGTGTTTTGA-AC. GRCh37 (hg19) VCF-style: chr11-44129526-CACGTGTTTTGA-AC.
Other names: c.363_374delinsAC, p.His121fs (NM_000401.3); c.264_275delinsAC, p.His88fs (NM_001178083.3, NM_001389628.1, NM_001389630.1); short protein forms H121fs, H88fs.
Identifiers: ClinVar variation 3764694 (VCV003764694.2).

ClinVar aggregate classification (germline): Pathogenic (1 of 4 stars; one submission).

Conditions:
Exostoses, multiple, type 2 (EXT2). Also called: EXOSTOSES, MULTIPLE, TYPE II; Hereditary Multiple Osteochondromatosis, Type II. Identifiers: Orphanet 321, MedGen C1851413, MONDO:0007586, OMIM 133701.

Submission:

Juno Genomics, Hangzhou Juno Genomics, Inc
Classification: Pathogenic for Exostoses, multiple, type 2. Review status: criteria provided, single submitter. Criteria: ACMG Guidelines, 2015. Collection method: clinical testing. Allele origin: germline. Affected: yes.
Comment: Absent from controls (or at extremely low frequency if recessive) in Genome Aggregation Database, Exome Sequencing Project, 1000 Genomes Project, or Exome Aggregation Consortium.;Null variant in a gene where loss of function (LOF) is a known mechanism of disease.;Patient's phenotype or family history is highly specific for a disease with a single genetic etiology.